The following is an entry in ClinVar:

NM_004304.5(ALK):c.2345C>T (p.Ala782Val)

Gene: ALK (ALK receptor tyrosine kinase; minus strand). Cytogenetic location: 2p23.2.
Variant type: single nucleotide variant.
Coding change: c.2345C>T on transcript NM_004304.5 (MANE Select); coding-DNA position 2345, C replaced by T.
Protein change: p.Ala782Val; replaces alanine 782 with valine.
Molecular consequence: missense variant.
Genome position (GRCh38, 1-based): chr2:29,239,690, G>A on the plus strand (C>T on the coding strand, the complement: ALK is on the minus strand). VCF-style: chr2-29239690-G-A. GRCh37 (hg19) VCF-style: chr2-29462556-G-A.
Other names: c.2345C>T (NM_004304.4); short protein forms A782V.
Identifiers: ClinVar variation 3703331 (VCV003703331.3).
Genomic context (GRCh38, chr2:29,239,690, plus strand): 5'-CCCGGGGCCTGACAGAGTGCAGACGAGAAACCCCTGCTCTGGGCACTTACACTGGGGCAG[G>A]CGTCCTCTCCCTGCTGCCCAACCAGGATGTACAGCATGTCATCCTTCTCCAGGTTGAAGA-3'
Protein context (NP_004295.2, residues 772-792): YILVGQQGED[Ala782Val]CPSTNQLIQK

ClinVar aggregate classification (germline): Uncertain significance. Review status: criteria provided, multiple submitters, no conflicts (2 of 4 stars). 2 submissions from 2 submitters: Uncertain significance (2). Last evaluated 2025-06-12.

Conditions:
Neuroblastoma, susceptibility to, 3. Also called: ALK-Related Neuroblastic Tumor Susceptibility. Identifiers: Orphanet 635, MedGen C2751681, MONDO:0013083, OMIM 613014.
Hereditary cancer-predisposing syndrome. Also called: Hereditary Cancer Syndrome; Neoplastic Syndromes, Hereditary; Tumor predisposition; Hereditary neoplastic syndrome. Identifiers: Orphanet 140162, MedGen C0027672, MeSH D009386, MONDO:0015356.

gnomAD v4.1: 1 of 1,613,908 alleles (0.000062%); highest among the groups gnomAD compares: South Asian, 0.0011%; no homozygotes.

Submissions (2):

Ambry Genetics
Classification: Uncertain significance for Hereditary cancer-predisposing syndrome. Last evaluated: 2025-06-12. Review status: criteria provided, single submitter. Criteria: Ambry Variant Classification Scheme 2023. Collection method: clinical testing. Allele origin: germline.
Comment: The p.A782V variant (also known as c.2345C>T), located in coding exon 13 of the ALK gene, results from a C to T substitution at nucleotide position 2345. The alanine at codon 782 is replaced by valine, an amino acid with similar properties. This amino acid position is conserved. In addition, the in silico prediction for this alteration is inconclusive. Based on the available evidence, the clinical significance of this variant remains unclear.

Labcorp Genetics (formerly Invitae), Labcorp
Classification: Uncertain significance for Neuroblastoma, susceptibility to, 3. Last evaluated: 2024-02-20. Review status: criteria provided, single submitter. Criteria: Invitae Variant Classification Sherloc (09022015). Collection method: clinical testing. Allele origin: germline.
Comment: This sequence change replaces alanine, which is neutral and non-polar, with valine, which is neutral and non-polar, at codon 782 of the ALK protein (p.Ala782Val). This variant is present in population databases (rs769390697, gnomAD 0.003%). This variant has not been reported in the literature in individuals affected with ALK-related conditions. An algorithm developed to predict the effect of missense changes on protein structure and function (PolyPhen-2) suggests that this variant is likely to be disruptive. In summary, the available evidence is currently insufficient to determine the role of this variant in disease. Therefore, it has been classified as a Variant of Uncertain Significance.